The following is an entry in ClinVar:

ClinVar aggregate classification (germline): Benign. Review status: criteria provided, multiple submitters, no conflicts (2 of 4 stars). 2 submissions from 2 submitters: Benign (2). Last evaluated 2018-01-12.

Conditions:
Hereditary coproporphyria (HCP). Also called: Hereditary coproporphyria porphyria; Porphyria hepatica coproporphyria; Porphyria hepatica II; CPRO deficiency; COPROPORPHYRINOGEN OXIDASE DEFICIENCY; CPO DEFICIENCY. Identifiers: Orphanet 79273, MedGen C0162531, MONDO:0007369, OMIM 121300.

Allele frequency attached by ClinVar (database versions not stated): 1000 Genomes Project 30x 0.00047; 1000 Genomes Project 0.00060; TOPMed 0.00224; gnomAD 0.00231 and 0.00243.
gnomAD v4.1: 5,222 of 1,516,730 alleles (0.34%); highest among the groups gnomAD compares: Non-Finnish European, 0.42%; 18 homozygotes.

Submissions (2):

Illumina Laboratory Services, Illumina
Classification: Benign for Hereditary coproporphyria. Last evaluated: 2018-01-12. Review status: criteria provided, single submitter. Criteria: ICSL Variant Classification Criteria 13 December 2019. Collection method: clinical testing. Allele origin: germline.
Comment: This variant was observed in the ICSL laboratory as part of a predisposition screen in an ostensibly healthy population. It had not been previously curated by ICSL or reported in the Human Gene Mutation Database (HGMD: prior to June 1st, 2018), and was therefore a candidate for classification through an automated scoring system. Utilizing variant allele frequency, disease prevalence and penetrance estimates, and inheritance mode, an automated score was calculated to assess if this variant is too frequent to cause the disease. Based on the score and internal cut-off values, a variant classified as benign is not then subjected to further curation. The score for this variant resulted in a classification of benign for this disease.

Breakthrough Genomics
Classification: Benign. Review status: criteria provided, single submitter. Criteria: ACMG Guidelines, 2015. Collection method: not provided. Allele origin: germline. Inheritance: Autosomal recessive inheritance. Affected: yes.

NM_000097.7(CPOX):c.*136G>C

Gene: CPOX (coproporphyrinogen oxidase; minus strand). Cytogenetic location: 3q11.2.
Variant type: single nucleotide variant.
Coding change: c.*136G>C on transcript NM_000097.7 (MANE Select); 136 bases downstream of the stop codon, G replaced by C.
Molecular consequence: 3 prime UTR variant.
Genome position (GRCh38, 1-based): chr3:98,580,547, C>G on the plus strand (G>C on the coding strand, the complement: CPOX is on the minus strand). VCF-style: chr3-98580547-C-G. GRCh37 (hg19) VCF-style: chr3-98299391-C-G.
Other names: c.*136G>C (LRG_1077t1).
Identifiers: ClinVar variation 346968 (VCV000346968.6), dbSNP rs142440038, ClinGen allele CA10617622.